The following is an entry in ClinVar:

NM_016247.4(IMPG2):c.229A>G (p.Ile77Val)

Gene: IMPG2 (interphotoreceptor matrix proteoglycan 2; minus strand). Cytogenetic location: 3q12.3.
Variant type: single nucleotide variant.
Coding change: c.229A>G on transcript NM_016247.4 (MANE Select); coding-DNA position 229, A replaced by G.
Protein change: p.Ile77Val; replaces isoleucine 77 with valine.
Molecular consequence: missense variant.
Genome position (GRCh38, 1-based): chr3:101,319,689, T>C on the plus strand (A>G on the coding strand, the complement: IMPG2 is on the minus strand). VCF-style: chr3-101319689-T-C. GRCh37 (hg19) VCF-style: chr3-101038533-T-C.
Other names: c.229A>G (NM_016247.3); short protein forms I77V.
Identifiers: ClinVar variation 1898011 (VCV001898011.6), dbSNP rs1338489360, ClinGen allele CA353858103.

ClinVar aggregate classification (germline): Uncertain significance. Review status: criteria provided, multiple submitters, no conflicts (2 of 4 stars). 2 submissions from 2 submitters: Uncertain significance (2). Last evaluated 2023-11-03.

Conditions:
Inborn genetic diseases. Identifiers: MedGen C0950123, MeSH D030342.

Allele frequency attached by ClinVar (database versions not stated): gnomAD exomes below 0.00001; gnomAD 0.00001; TOPMed 0.00002.
gnomAD v4.1: 7 of 1,613,674 alleles (0.00043%); highest among the groups gnomAD compares: Admixed American, 0.005%; no homozygotes.

Submissions (2):

Ambry Genetics
Classification: Uncertain significance for Inborn genetic diseases. Last evaluated: 2023-11-03. Review status: criteria provided, single submitter. Criteria: Ambry Variant Classification Scheme 2023. Collection method: clinical testing. Allele origin: germline.

Labcorp Genetics (formerly Invitae), Labcorp
Classification: Uncertain significance. Last evaluated: 2022-06-15. Review status: criteria provided, single submitter. Criteria: Invitae Variant Classification Sherloc (09022015). Collection method: clinical testing. Allele origin: germline.
Comment: This sequence change replaces isoleucine, which is neutral and non-polar, with valine, which is neutral and non-polar, at codon 77 of the IMPG2 protein (p.Ile77Val). This variant is present in population databases (no rsID available, gnomAD 0.003%). This variant has not been reported in the literature in individuals affected with IMPG2-related conditions. Algorithms developed to predict the effect of missense changes on protein structure and function (SIFT, PolyPhen-2, Align-GVGD) all suggest that this variant is likely to be tolerated. In summary, the available evidence is currently insufficient to determine the role of this variant in disease. Therefore, it has been classified as a Variant of Uncertain Significance.